The following is an entry in ClinVar:

ClinVar aggregate classification (germline): Conflicting classifications of pathogenicity. Review status: criteria provided, conflicting classifications (1 of 4 stars). 6 submissions from 6 submitters: Uncertain significance (3); Likely benign (2). 1 of the submissions does not count toward it. Last evaluated 2026-04-23.

Conditions:
WRN-related disorder. Also called: WRN-related condition.
Werner syndrome (WRN). Identifiers: Orphanet 902, MedGen C0043119, MONDO:0010196, OMIM 277700.

Allele frequency attached by ClinVar (database versions not stated): gnomAD exomes 0.00006; TOPMed 0.00006; ExAC 0.00007; ESP Exome Variant Server 0.00008; gnomAD 0.00010.
gnomAD v4.1: 98 of 1,613,736 alleles (0.0061%); highest among the groups gnomAD compares: Middle Eastern, 0.082%; no homozygotes.

Submissions (6):

PreventionGenetics, part of Exact Sciences
Classification: Uncertain significance for WRN-related condition. Last evaluated: 2026-04-23. Review status: criteria provided, single submitter. Criteria: ACMG Guidelines, 2015. Collection method: clinical testing. Allele origin: germline.
Comment: The WRN c.514A>C variant is predicted to result in the amino acid substitution p.Thr172Pro. To our knowledge, this variant has not been reported in the literature in individuals with features of Werner syndrome. Functional studies showed this amino acid change (p.Thr172Pro) resulted in reduced activity but it is unknown if this alteration contributes to Werner syndrome (Kamath-Loeb et al. 2004. PubMed ID: 15489508). This variant is reported in 0.012% of alleles in individuals of European (Non-Finnish) descent in gnomAD. This variant has conflicting interpretations in ClinVar ranging from uncertain to likely benign (Variation ID: 135445). At this time, the clinical significance of this variant is uncertain due to the absence of conclusive functional and genetic evidence.

Labcorp Genetics (formerly Invitae), Labcorp
Classification: Likely benign for Werner syndrome. Last evaluated: 2025-12-16. Review status: criteria provided, single submitter. Criteria: Invitae Variant Classification Sherloc (09022015). Collection method: clinical testing. Allele origin: germline.

Revvity Omics, Revvity
Classification: Uncertain significance for Werner syndrome. Last evaluated: 2025-06-09. Review status: criteria provided, single submitter. Criteria: ACMG Guidelines, 2015. Collection method: clinical testing. Allele origin: germline.

Department of Pathology and Laboratory Medicine, Sinai Health System
Classification: Likely benign for Werner syndrome. Last evaluated: 2021-07-30. Review status: criteria provided, single submitter. Criteria: ACMG Guidelines, 2015. Collection method: research. Allele origin: germline.

GeneDx
Classification: Uncertain significance. Last evaluated: 2020-09-25. Review status: criteria provided, single submitter. Criteria: GeneDx Variant Classification Process June 2021. Collection method: clinical testing. Allele origin: germline. Affected: yes.
Comment: In silico analysis supports that this missense variant does not alter protein structure/function; This variant is associated with the following publications: (PMID: 27667302, 24728327, 16622405, 11161804, 15489508)

ITMI
No classification provided. Condition: AllHighlyPenetrant. Last evaluated: 2013-09-19. Review status: no classification provided. Collection method: reference population. Allele origin: germline. Not counted in ClinVar's aggregate classification.
Comment: Please see associated publication for description of ethnicities

Literature cited by the submitters: PubMed 24728327 (cited by ITMI).

NM_000553.6(WRN):c.514A>C (p.Thr172Pro)

Gene: WRN (WRN RecQ like helicase; plus strand). Cytogenetic location: 8p12.
Variant type: single nucleotide variant.
Coding change: c.514A>C on transcript NM_000553.6 (MANE Select); coding-DNA position 514, A replaced by C.
Protein change: p.Thr172Pro; replaces threonine 172 with proline.
Molecular consequence: missense variant.
Genome position (GRCh38, 1-based): chr8:31,067,042, A>C. VCF-style: chr8-31067042-A-C. GRCh37 (hg19) VCF-style: chr8-30924558-A-C.
Other names: short protein forms T172P.
Identifiers: ClinVar variation 135445 (VCV000135445.16), dbSNP rs367991517, ClinGen allele CA162785.
Genomic context (GRCh38, chr8:31,067,042, plus strand): 5'-TACCTGAAAACAGGAACTGATTTTACTGTGTTGCTTTTTCATCATTTCTAGCTGAAATGC[A>C]CAGAGACCTGGAGCCTTAACAGTCTGGTTAAACACCTCTTAGGTAAACAGCTCCTGAAAG-3'
Protein context (NP_000544.2, residues 162-182): TDVANKKLKC[Thr172Pro]ETWSLNSLVK